The following is an entry in ClinVar:

NM_001252024.2(TRPM1):c.2707A>T (p.Met903Leu)

Genes: TRPM1 (transient receptor potential cation channel subfamily M member 1; minus strand), TRPM1-AS1 (TRPM1 antisense RNA 1; plus strand). Cytogenetic location: 15q13.3.
Variant type: single nucleotide variant.
Coding change: c.2707A>T on transcript NM_001252024.2 (MANE Select); coding-DNA position 2707, A replaced by T.
Protein change: p.Met903Leu; replaces methionine 903 with leucine.
Molecular consequence: missense variant.
Genome position (GRCh38, 1-based): chr15:31,032,934, T>A on the plus strand (A>T on the coding strand, the complement: TRPM1 is on the minus strand). VCF-style: chr15-31032934-T-A. GRCh37 (hg19) VCF-style: chr15-31325137-T-A.
Other names: c.2758A>T, p.Met920Leu (NM_001252020.2); c.2641A>T, p.Met881Leu (NM_002420.6); short protein forms M881L, M903L, M920L.
Identifiers: ClinVar variation 1022111 (VCV001022111.8), dbSNP rs1452352925, ClinGen allele CA391546608.

ClinVar aggregate classification (germline): Uncertain significance (1 of 4 stars; one submission).

gnomAD v4.1: 1 of 1,614,216 alleles (0.000062%); highest among the groups gnomAD compares: Non-Finnish European, 0.000085%; no homozygotes.

Submission:

Labcorp Genetics (formerly Invitae), Labcorp
Classification: Uncertain significance. Last evaluated: 2024-02-12. Review status: criteria provided, single submitter. Criteria: Invitae Variant Classification Sherloc (09022015). Collection method: clinical testing. Allele origin: germline.
Comment: This sequence change replaces methionine, which is neutral and non-polar, with leucine, which is neutral and non-polar, at codon 881 of the TRPM1 protein (p.Met881Leu). This variant is not present in population databases (gnomAD no frequency). This variant has not been reported in the literature in individuals affected with TRPM1-related conditions. ClinVar contains an entry for this variant (Variation ID: 1022111). Advanced modeling of protein sequence and biophysical properties (such as structural, functional, and spatial information, amino acid conservation, physicochemical variation, residue mobility, and thermodynamic stability) performed at Invitae indicates that this missense variant is not expected to disrupt TRPM1 protein function with a negative predictive value of 95%. In summary, the available evidence is currently insufficient to determine the role of this variant in disease. Therefore, it has been classified as a Variant of Uncertain Significance.